The following is an entry in ClinVar:

NM_001378454.1(ALMS1):c.11669-22_11686del

Gene: ALMS1 (ALMS1 centrosome and basal body associated protein; plus strand). Cytogenetic location: 2p13.1.
Variant type: Deletion.
Coding change: c.11669-22_11686del on transcript NM_001378454.1 (MANE Select); 22 bases into the intron before coding-DNA position 11669 through coding-DNA position 11686, 40 bases deleted.
Molecular consequence: splice acceptor variant.
Genome position (GRCh38, 1-based): chr2:73,600,656-73,600,695, 40 bases deleted; deleting any 40 consecutive bases within chr2:73,600,654-73,600,695 gives the same sequence; the c. name uses the placement nearest the transcript's 3' end. GRCh37 (hg19): chr2:73,827,783-73,827,822.
Other names: c.11669-22_11686del (NM_015120.4).
Identifiers: ClinVar variation 2812620 (VCV002812620.3), dbSNP rs2466519615, ClinGen allele CA2739271106.

ClinVar aggregate classification (germline): Likely pathogenic (1 of 4 stars; one submission).

Conditions:
Alstrom syndrome (ALMS). Identifiers: Orphanet 64, MedGen C0268425, MONDO:0008763, OMIM 203800.

Submission:

Labcorp Genetics (formerly Invitae), Labcorp
Classification: Likely pathogenic for Alstrom syndrome. Last evaluated: 2022-11-07. Review status: criteria provided, single submitter. Criteria: Invitae Variant Classification Sherloc (09022015). Collection method: clinical testing. Allele origin: germline.
Comment: This variant has not been reported in the literature in individuals affected with ALMS1-related conditions. This variant results in the deletion of part of exon 18 (c.11672-22_11689del) of the ALMS1 gene. It is expected to disrupt RNA splicing. Variants that disrupt the donor or acceptor splice site typically lead to a loss of protein function (PMID: 16199547), and loss-of-function variants in ALMS1 are known to be pathogenic (PMID: 17594715). This variant is not present in population databases (gnomAD no frequency). In summary, the currently available evidence indicates that the variant is pathogenic, but additional data are needed to prove that conclusively. Therefore, this variant has been classified as Likely Pathogenic. Algorithms developed to predict the effect of sequence changes on RNA splicing suggest that this variant may disrupt the consensus splice site.

Literature cited by the submitters: PubMed 16199547; PubMed 17594715.